The following is an entry in ClinVar:

ClinVar aggregate classification (germline): Uncertain significance. Review status: criteria provided, multiple submitters, no conflicts (2 of 4 stars). 3 submissions from 3 submitters: Uncertain significance (3). Last evaluated 2025-01-20.

Conditions:
ALPK3-related disorder. Also called: ALPK3-related condition.
Cardiovascular phenotype. Identifiers: MedGen CN230736.

Allele frequency attached by ClinVar (database versions not stated): ExAC 0.00022.

Submissions (3):

Labcorp Genetics (formerly Invitae), Labcorp
Classification: Uncertain significance. Last evaluated: 2025-01-20. Review status: criteria provided, single submitter. Criteria: Invitae Variant Classification Sherloc (09022015). Collection method: clinical testing. Allele origin: germline.
Comment: This sequence change replaces cysteine, which is neutral and slightly polar, with arginine, which is basic and polar, at codon 109 of the ALPK3 protein (p.Cys109Arg). This variant is present in population databases (rs772705985, gnomAD 0.01%). This variant has not been reported in the literature in individuals affected with ALPK3-related conditions. ClinVar contains an entry for this variant (Variation ID: 1918764). An algorithm developed to predict the effect of missense changes on protein structure and function outputs the following: PolyPhen-2: "Benign". The arginine amino acid residue is found in multiple mammalian species, which suggests that this missense change does not adversely affect protein function. In summary, the available evidence is currently insufficient to determine the role of this variant in disease. Therefore, it has been classified as a Variant of Uncertain Significance.

Ambry Genetics
Classification: Uncertain significance for Cardiovascular phenotype. Last evaluated: 2024-06-14. Review status: criteria provided, single submitter. Criteria: Ambry Variant Classification Scheme 2023. Collection method: clinical testing. Allele origin: germline.
Comment: The p.C109R variant (also known as c.325T>C), located in coding exon 1 of the ALPK3 gene, results from a T to C substitution at nucleotide position 325. The cysteine at codon 109 is replaced by arginine, an amino acid with highly dissimilar properties. This amino acid position is conserved. In addition, this alteration is predicted to be tolerated by in silico analysis. Based on the available evidence, the clinical significance of this variant remains unclear.

PreventionGenetics, part of Exact Sciences
Classification: Uncertain significance for ALPK3-related condition. Last evaluated: 2022-12-10. Review status: criteria provided, single submitter. Criteria: ACMG Guidelines, 2015. Collection method: clinical testing. Allele origin: germline.
Comment: The ALPK3 c.325T>C variant is predicted to result in the amino acid substitution p.Cys109Arg. To our knowledge, this variant has not been reported in the literature. This variant is reported in 0.015% of alleles in individuals of South Asian descent in gnomAD. At this time, the clinical significance of this variant is uncertain due to the absence of conclusive functional and genetic evidence.

NC_000015.10:g.84817171T>C

Gene: ALPK3 (alpha kinase 3; plus strand). Cytogenetic location: 15q25.3.
Variant type: single nucleotide variant.
Genome position: GRCh38 VCF-style: chr15-84817171-T-C. GRCh37 (hg19) VCF-style: chr15-85360402-T-C.
Other names: short protein forms C109R.
Identifiers: ClinVar variation 1918764 (VCV001918764.6), dbSNP rs772705985, ClinGen allele CA7708832.